The following is an entry in ClinVar:

ClinVar aggregate classification (germline): Uncertain significance (1 of 4 stars; one submission).

gnomAD v4.1: 1 of 1,614,020 alleles (0.000062%); highest among the groups gnomAD compares: Non-Finnish European, 0.000085%; no homozygotes.

Submission:

GeneDx
Classification: Uncertain significance. Last evaluated: 2022-12-30. Review status: criteria provided, single submitter. Criteria: GeneDx Variant Classification Process June 2021. Collection method: clinical testing. Allele origin: germline. Affected: yes.
Comment: Not observed at significant frequency in large population cohorts (gnomAD); In silico analysis supports that this missense variant has a deleterious effect on protein structure/function; Has not been previously published as pathogenic or benign to our knowledge; Variants in candidate genes are classified as variants of uncertain significance in accordance with ACMG guidelines (Richards et al., 2015)

NM_001286.5(CLCN6):c.1442G>T (p.Gly481Val)

Gene: CLCN6 (chloride voltage-gated channel 6; plus strand). Cytogenetic location: 1p36.22.
Variant type: single nucleotide variant.
Coding change: c.1442G>T on transcript NM_001286.5 (MANE Select); coding-DNA position 1442, G replaced by T.
Protein change: p.Gly481Val; replaces glycine 481 with valine.
Molecular consequence: missense variant. On other transcripts: non-coding transcript variant (1).
Genome position (GRCh38, 1-based): chr1:11,833,946, G>T. VCF-style: chr1-11833946-G-T. GRCh37 (hg19) VCF-style: chr1-11894003-G-T.
Other names: c.1376G>T, p.Gly459Val (NM_001256959.2); short protein forms G459V, G481V.
Identifiers: ClinVar variation 3342772 (VCV003342772.1).
Genomic context (GRCh38, chr1:11,833,946, plus strand): 5'-GCCCCGTCACTCTGGCCTTGTTCTTCGTTCTCTATTTCTTGCTTGCATGTTGGACTTACG[G>T]CATTTCTGTTCCAAGTGGCCTTTTTGTGCCTTCTCTGCTGTGTGGAGCTGCTTTTGGACG-3'
Protein context (NP_001277.2, residues 471-491): LYFLLACWTY[Gly481Val]ISVPSGLFVP